The following is an entry in ClinVar:

NM_006886.4(ATP5F1E):c.-46C>T

Genes: ATP5F1E (ATP synthase F1 subunit epsilon; minus strand), SLMO2-ATP5E (SLMO2-ATP5E readthrough; minus strand), LOC130066278 (ATAC-STARR-seq lymphoblastoid silent region 13087; plus strand). Cytogenetic location: 20q13.32.
Variant type: single nucleotide variant.
Coding change: c.-46C>T on transcript NM_006886.4 (MANE Select); 46 bases upstream of the start codon, C replaced by T.
Molecular consequence: 5 prime UTR variant.
Genome position (GRCh38, 1-based): chr20:59,032,297, G>A on the plus strand (C>T on the coding strand, the complement: ATP5F1E is on the minus strand). VCF-style: chr20-59032297-G-A. GRCh37 (hg19) VCF-style: chr20-57607352-G-A.
Identifiers: ClinVar variation 136459 (VCV000136459.2), dbSNP rs374732925, ClinGen allele CA289594.
Genomic context (GRCh38, chr20:59,032,297, plus strand): 5'-CCAGTAGGCCACCATGCTGTAGCGAAAGCGGAGCTCGTCGGGCCGAATCGCCAAGACGCC[G>A]GCAATGTCGGCTCAGCCGGGCGGTTCAGCCGCAGGAAGATCAGACCACAGAAGCGGAAGA-3'

ClinVar aggregate classification (germline): Benign. Review status: criteria provided, multiple submitters, no conflicts (2 of 4 stars). 2 submissions from 2 submitters: Benign (2). Last evaluated 2013-01-31.

Allele frequency attached by ClinVar (database versions not stated): TOPMed 0.00104; ESP Exome Variant Server 0.00086.
gnomAD v4.1: 1,921 of 1,584,244 alleles (0.12%); highest among the groups gnomAD compares: Non-Finnish European, 0.15%; 1 homozygote.

Submissions (2):

GeneDx
Classification: Benign. Last evaluated: 2013-01-31. Review status: criteria provided, single submitter. Criteria: GeneDx Variant Classification (06012015). Collection method: clinical testing. Allele origin: germline. Affected: yes.
Comment: This variant is considered likely benign or benign based on one or more of the following criteria: it is a conservative change, it occurs at a poorly conserved position in the protein, it is predicted to be benign by multiple in silico algorithms, and/or has population frequency not consistent with disease.

Breakthrough Genomics
Classification: Benign. Review status: criteria provided, single submitter. Criteria: ACMG Guidelines, 2015. Collection method: not provided. Allele origin: germline. Inheritance: Autosomal recessive inheritance. Affected: yes.